The following is an entry in ClinVar:

ClinVar aggregate classification (germline): Likely benign (1 of 4 stars; one submission).

Conditions:
PKD1-related disorder. Also called: PKD1-related condition.

gnomAD v4.1: 18 of 1,404,464 alleles (0.0013%); highest among the groups gnomAD compares: South Asian, 0.0044%; no homozygotes.

Submission:

PreventionGenetics, part of Exact Sciences
Classification: Likely benign for PKD1-related condition. Last evaluated: 2026-06-03. Review status: criteria provided, single submitter. Criteria: ACMG Guidelines, 2015. Collection method: clinical testing. Allele origin: germline.
Comment: This variant is classified as likely benign based on ACMG/AMP sequence variant interpretation guidelines (Richards et al. 2015 PMID: 25741868, with internal and published modifications).

NM_001009944.3(PKD1):c.11713-5C>G

Gene: PKD1 (polycystin 1, transient receptor potential channel interacting; minus strand). Cytogenetic location: 16p13.3.
Variant type: single nucleotide variant.
Coding change: c.11713-5C>G on transcript NM_001009944.3 (MANE Select); 5 bases into the intron before coding-DNA position 11713, C replaced by G.
Molecular consequence: intron variant.
Genome position (GRCh38, 1-based): chr16:2,091,179, G>C on the plus strand (C>G on the coding strand, the complement: PKD1 is on the minus strand). VCF-style: chr16-2091179-G-C. GRCh37 (hg19) VCF-style: chr16-2141180-G-C.
Other names: c.11710-5C>G (NM_000296.4).
Identifiers: ClinVar variation 4979452 (VCV004979452.1).